The following is an entry in ClinVar:

ClinVar aggregate classification (germline): Uncertain significance (1 of 4 stars; one submission).

Conditions:
Emery-Dreifuss muscular dystrophy 5, autosomal dominant (EDMD5). Also called: EMERY-DREIFUSS MUSCULAR DYSTROPHY 5. Identifiers: Orphanet 261, MedGen C2751805, MONDO:0013072, OMIM 612999.

gnomAD v4.1: 3 of 1,614,020 alleles (0.00019%); highest among the groups gnomAD compares: Non-Finnish European, 0.00025%; no homozygotes.

Submission:

Labcorp Genetics (formerly Invitae), Labcorp
Classification: Uncertain significance for Emery-Dreifuss muscular dystrophy 5, autosomal dominant. Last evaluated: 2025-12-17. Review status: criteria provided, single submitter. Criteria: Invitae Variant Classification Sherloc (09022015). Collection method: clinical testing. Allele origin: germline.
Comment: This sequence change replaces valine, which is neutral and non-polar, with leucine, which is neutral and non-polar, at codon 2793 of the SYNE2 protein (p.Val2793Leu). This variant is not present in population databases (gnomAD no frequency). This variant has not been reported in the literature in individuals affected with SYNE2-related conditions. An algorithm developed to predict the effect of missense changes on protein structure and function (PolyPhen-2) suggests that this variant is likely to be tolerated. In summary, the available evidence is currently insufficient to determine the role of this variant in disease. Therefore, it has been classified as a Variant of Uncertain Significance.

NM_182914.3(SYNE2):c.8377G>C (p.Val2793Leu)

Gene: SYNE2 (spectrin repeat containing nuclear envelope protein 2; plus strand). Cytogenetic location: 14q23.2.
Variant type: single nucleotide variant.
Coding change: c.8377G>C on transcript NM_182914.3 (MANE Select); coding-DNA position 8377, G replaced by C.
Protein change: p.Val2793Leu; replaces valine 2793 with leucine.
Molecular consequence: missense variant.
Genome position (GRCh38, 1-based): chr14:64,052,290, G>C. VCF-style: chr14-64052290-G-C. GRCh37 (hg19) VCF-style: chr14-64519008-G-C.
Other names: c.8377G>C, p.Val2793Leu (NM_015180.6); short protein forms V2793L.
Identifiers: ClinVar variation 4692207 (VCV004692207.1).